The following is an entry in ClinVar:

ClinVar aggregate classification (germline): Uncertain significance (1 of 4 stars; one submission).

Allele frequency attached by ClinVar (database versions not stated): ExAC 0.00003; TOPMed 0.00004; gnomAD 0.00005; gnomAD exomes 0.00007.

Submission:

Mayo Clinic Laboratories, Mayo Clinic
Classification: Uncertain significance. Last evaluated: 2023-05-26. Review status: criteria provided, single submitter. Criteria: ACMG Guidelines, 2015. Collection method: clinical testing. Allele origin: germline. Observed: 1 variant allele.
Comment: BP4

NM_000108.5(DLD):c.494C>T (p.Thr165Met)

Gene: DLD (dihydrolipoamide dehydrogenase; plus strand). Cytogenetic location: 7q31.1.
Variant type: single nucleotide variant.
Coding change: c.494C>T on transcript NM_000108.5 (MANE Select); coding-DNA position 494, C replaced by T.
Protein change: p.Thr165Met; replaces threonine 165 with methionine.
Molecular consequence: missense variant. On other transcripts: intron variant (1).
Genome position (GRCh38, 1-based): chr7:107,905,416, C>T. VCF-style: chr7-107905416-C-T. GRCh37 (hg19) VCF-style: chr7-107545861-C-T.
Other names: p.Thr165Met; c.197C>T, p.Thr66Met (NM_001289750.1); c.425C>T, p.Thr142Met (NM_001289751.1); c.438+358C>T (NM_001289752.1); short protein forms T165M, T142M, T66M.
Identifiers: ClinVar variation 2682992 (VCV002682992.1), dbSNP rs748960915, ClinGen allele CA312459.